The following is an entry in ClinVar:

NM_001127208.3(TET2):c.346del (p.Gln116fs)

Genes: TET2 (tet methylcytosine dioxygenase 2; plus strand), TET2-AS1 (TET2 antisense RNA 1; minus strand). Cytogenetic location: 4q24.
Variant type: Deletion.
Coding change: c.346del on transcript NM_001127208.3 (MANE Select); coding-DNA position 346, one base deleted (C; older notation c.346delC).
Protein change: p.Gln116fs; shifts the reading frame from glutamine 116.
Molecular consequence: frameshift variant.
Genome position (GRCh38, 1-based): chr4:105,234,288, C deleted; the last of 2 consecutive C bases (chr4:105,234,287-105,234,288); deleting either gives the same sequence. VCF-style (leftmost placement, unchanged base first): chr4-105234286-AC-A. GRCh37 (hg19) VCF-style: chr4-106155443-AC-A.
Other names: c.346del, p.Gln116fs (NM_017628.4); short protein forms Q116fs.
Identifiers: ClinVar variation 2857133 (VCV002857133.3), dbSNP rs2476479412, ClinGen allele CA2739270211.

ClinVar aggregate classification (germline): Pathogenic (1 of 4 stars; one submission).

Submission:

Labcorp Genetics (formerly Invitae), Labcorp
Classification: Pathogenic. Last evaluated: 2023-04-17. Review status: criteria provided, single submitter. Criteria: Invitae Variant Classification Sherloc (09022015). Collection method: clinical testing. Allele origin: germline.
Comment: This variant is not present in population databases (gnomAD no frequency). This sequence change creates a premature translational stop signal (p.Gln116Lysfs*12) in the TET2 gene. It is expected to result in an absent or disrupted protein product. Loss-of-function variants in TET2 are known to be pathogenic (PMID: 36066697). This variant has not been reported in the literature in individuals affected with TET2-related conditions. For these reasons, this variant has been classified as Pathogenic.

Literature cited by the submitters: PubMed 36066697.